The following is an entry in ClinVar:

NM_003361.4(UMOD):c.203A>T (p.Glu68Val)

Gene: UMOD (uromodulin; minus strand). Cytogenetic location: 16p12.3.
Variant type: single nucleotide variant.
Coding change: c.203A>T on transcript NM_003361.4 (MANE Select); coding-DNA position 203, A replaced by T.
Protein change: p.Glu68Val; replaces glutamic acid 68 with valine.
Molecular consequence: missense variant. On other transcripts: non-coding transcript variant (1).
Genome position (GRCh38, 1-based): chr16:20,349,098, T>A on the plus strand (A>T on the coding strand, the complement: UMOD is on the minus strand). VCF-style: chr16-20349098-T-A. GRCh37 (hg19) VCF-style: chr16-20360420-T-A.
Other names: c.203A>T, p.Glu68Val (NM_001008389.3, NM_001378232.1, NM_001378233.1 and 3 more transcripts); c.302A>T, p.Glu101Val (NM_001278614.2); short protein forms E101V, E68V.
Identifiers: ClinVar variation 1077014 (VCV001077014.3), dbSNP rs2141676976, ClinGen allele CA394987412.
Genomic context (GRCh38, chr16:20,349,098, plus strand): 5'-CCTGGCGTGTTTACGCAGCTGCTGTTGGCGGAGCAGTTGTGAGCTCCAGGAATGGCGCAC[T>A]CATCCAGGTCCACGCAGGTCAGGCCATCGCCGGTGAAGCCCTCCTGACAGGTGCACGTCG-3'
Protein context (NP_003352.2, residues 58-78): GDGLTCVDLD[Glu68Val]CAIPGAHNCS

ClinVar aggregate classification (germline): Likely pathogenic (1 of 4 stars; one submission).

Conditions:
Familial juvenile hyperuricemic nephropathy type 1 (ADTKD1). Also called: Autosomal Dominant Tubulointerstitial Kidney Disease – UMOD; UMOD-Associated Kidney Disease; Uromodulin-associated kidney disease; Glomerulocystic kidney disease with hyperuricemia and isosthenuria; Medullary cystic kidney disease 2. Identifiers: Orphanet 209886, Orphanet 34149, Orphanet 88950, MedGen C4551496, MONDO:0008073, OMIM 162000.

Submission:

Precision Medicine Center, Zhengzhou University
Classification: Likely pathogenic for Familial juvenile hyperuricemic nephropathy type 1. Review status: criteria provided, single submitter. Criteria: ACMG Guidelines, 2015. Collection method: research. Allele origin: germline. Affected: yes.
Comment: PM1:Located in well-established functional domain PM2:not found in gnomAD PP2:Missense variant in a gene that has a low rate of benign missense variation and in which missense variants are a common mechanism of disease PP3:Multiple lines of computational evidence support a deleterious effect on the gene or gene product